The following is an entry in ClinVar:

NM_007373.4(SHOC2):c.335T>C (p.Ile112Thr)

Gene: SHOC2 (SHOC2 leucine rich repeat scaffold protein; plus strand). Cytogenetic location: 10q25.2.
Variant type: single nucleotide variant.
Coding change: c.335T>C on transcript NM_007373.4 (MANE Select); coding-DNA position 335, T replaced by C.
Protein change: p.Ile112Thr; replaces isoleucine 112 with threonine.
Molecular consequence: missense variant.
Genome position (GRCh38, 1-based): chr10:110,964,693, T>C. VCF-style: chr10-110964693-T-C. GRCh37 (hg19) VCF-style: chr10-112724451-T-C.
Other names: c.335T>C, p.Ile112Thr (NM_001269039.3, NM_001324336.2, NM_001324337.2); short protein forms I112T.
Identifiers: ClinVar variation 372672 (VCV000372672.10), dbSNP rs201289608, ClinGen allele CA5689578.

ClinVar aggregate classification (germline): Conflicting classifications of pathogenicity. Review status: criteria provided, conflicting classifications (1 of 4 stars). 3 submissions from 3 submitters: Uncertain significance (1); Likely benign (2). Last evaluated 2026-01-19.

Conditions:
RASopathy. Also called: rasopathies; Noonan spectrum disorder. Identifiers: Orphanet 536391, MedGen C5555857, MONDO:0021060.

Allele frequency attached by ClinVar (database versions not stated): gnomAD exomes 0.00009 and 0.00025; ExAC 0.00020; gnomAD 0.00021; 1000 Genomes Project 30x 0.00031; 1000 Genomes Project 0.00040.
gnomAD v4.1: 164 of 1,614,054 alleles (0.01%); highest among the groups gnomAD compares: African/African-American, 0.0013%; no homozygotes.

Submissions (3):

Labcorp Genetics (formerly Invitae), Labcorp
Classification: Likely benign for RASopathy. Last evaluated: 2026-01-19. Review status: criteria provided, single submitter. Criteria: Invitae Variant Classification Sherloc (09022015). Collection method: clinical testing. Allele origin: germline.

Blueprint Genetics
Classification: Likely benign. Last evaluated: 2024-08-28. Review status: criteria provided, single submitter. Criteria: ACMG Guidelines, 2015. Collection method: clinical testing. Allele origin: germline.

GeneDx
Classification: Uncertain significance. Last evaluated: 2015-09-28. Review status: criteria provided, single submitter. Criteria: GeneDx Variant Classification (06012015). Collection method: clinical testing. Allele origin: germline. Affected: yes.
Comment: To our knowledge, the I112T variant has not been published as a pathogenic variant, nor has it been reported as a benign polymorphism. The I112T variant was not observed in approximately 6,500 individuals of European and African American ancestry in the NHLBI Exome Sequencing Project, indicating it is not a common benign variant in these populations. It is a non-conservative amino acid substitution, which is likely to impact secondary protein structure as these residues differ in polarity, charge, size and/or other properties. This substitution occurs at a position that is conserved across species and in-silico analysis predicts this variant is probably damaging to the protein structure/function. Therefore, based on the currently available information, it is unclear whether this variant is a pathogenic variant or a rare benign variant.